The following is an entry in ClinVar:

ClinVar aggregate classification (germline): Likely benign (1 of 4 stars; one submission).

Allele frequency attached by ClinVar (database versions not stated): ExAC 0.00001; gnomAD 0.00001; gnomAD exomes 0.00002; TOPMed 0.00002; ESP Exome Variant Server 0.00008.
gnomAD v4.1: 32 of 1,611,586 alleles (0.002%); highest among the groups gnomAD compares: East Asian, 0.0045%; no homozygotes.

Submission:

CeGaT Center for Human Genetics Tuebingen
Classification: Likely benign. Last evaluated: 2023-03-01. Review status: criteria provided, single submitter. Criteria: CeGaT Center For Human Genetics Tuebingen Variant Classification Criteria Version 2. Collection method: clinical testing. Allele origin: germline. Affected: yes. Observed: 1 variant allele.
Comment: PKD1: BP4, BP7

NM_001009944.3(PKD1):c.4641C>T (p.Arg1547=)

Gene: PKD1 (polycystin 1, transient receptor potential channel interacting; minus strand). Cytogenetic location: 16p13.3.
Variant type: single nucleotide variant.
Coding change: c.4641C>T on transcript NM_001009944.3 (MANE Select); coding-DNA position 4641, C replaced by T.
Protein change: p.Arg1547=; no amino-acid change (arginine 1547 retained).
Molecular consequence: synonymous variant.
Genome position (GRCh38, 1-based): chr16:2,110,526, G>A on the plus strand (C>T on the coding strand, the complement: PKD1 is on the minus strand). VCF-style: chr16-2110526-G-A. GRCh37 (hg19) VCF-style: chr16-2160527-G-A.
Other names: c.4641C>T, p.Arg1547= (NM_000296.4).
Identifiers: ClinVar variation 2646018 (VCV002646018.24), dbSNP rs367672280, ClinGen allele CA7832307.